The following is an entry in ClinVar:

NM_001278716.2(FBXL4):c.851C>T (p.Pro284Leu)

Gene: FBXL4 (F-box and leucine rich repeat protein 4; minus strand). Cytogenetic location: 6q16.2.
Variant type: single nucleotide variant.
Coding change: c.851C>T on transcript NM_001278716.2 (MANE Select); coding-DNA position 851, C replaced by T.
Protein change: p.Pro284Leu; replaces proline 284 with leucine.
Molecular consequence: missense variant.
Genome position (GRCh38, 1-based): chr6:98,917,381, G>A on the plus strand (C>T on the coding strand, the complement: FBXL4 is on the minus strand). VCF-style: chr6-98917381-G-A. GRCh37 (hg19) VCF-style: chr6-99365257-G-A.
Other names: c.851C>T, p.Pro284Leu (NM_012160.5); short protein forms P284L.
Identifiers: ClinVar variation 3896864 (VCV003896864.1).

ClinVar aggregate classification (germline): Uncertain significance (1 of 4 stars; one submission).

Conditions:
Mitochondrial DNA depletion syndrome 13. Also called: FBXL4-Related Encephalomyopathic Mitochondrial DNA Depletion Syndrome; Mitochondrial DNA depletion syndrome 13 (encephalomyopathic type). Identifiers: Orphanet 369897, MedGen C3809592, MONDO:0014198, OMIM 615471.

gnomAD v4.1: 2 of 1,599,422 alleles (0.00013%); highest among the groups gnomAD compares: Non-Finnish European, 0.00017%; no homozygotes.

Submission:

Kariminejad - Najmabadi Pathology & Genetics Center
Classification: Uncertain significance for Mitochondrial DNA depletion syndrome 13. Last evaluated: 2023-12-03. Review status: criteria provided, single submitter. Criteria: ACMG Guidelines, 2015. Collection method: clinical testing. Allele origin: germline. Inheritance: Autosomal recessive inheritance. Affected: yes.
Comment: PM2, PP3